The following is an entry in ClinVar:

ClinVar aggregate classification (germline): Uncertain significance (1 of 4 stars; one submission).

gnomAD v4.1: 1 of 1,613,910 alleles (0.000062%); highest among the groups gnomAD compares: South Asian, 0.0011%; no homozygotes.

Submission:

Labcorp Genetics (formerly Invitae), Labcorp
Classification: Uncertain significance. Last evaluated: 2023-07-26. Review status: criteria provided, single submitter. Criteria: Invitae Variant Classification Sherloc (09022015). Collection method: clinical testing. Allele origin: germline.
Comment: This variant has not been reported in the literature in individuals affected with COL10A1-related conditions. In summary, the available evidence is currently insufficient to determine the role of this variant in disease. Therefore, it has been classified as a Variant of Uncertain Significance. Advanced modeling of protein sequence and biophysical properties (such as structural, functional, and spatial information, amino acid conservation, physicochemical variation, residue mobility, and thermodynamic stability) performed at Invitae indicates that this missense variant is not expected to disrupt COL10A1 protein function. ClinVar contains an entry for this variant (Variation ID: 1994003). This variant is not present in population databases (gnomAD no frequency). This sequence change replaces proline, which is neutral and non-polar, with serine, which is neutral and polar, at codon 399 of the COL10A1 protein (p.Pro399Ser).

NM_000493.4(COL10A1):c.1195C>T (p.Pro399Ser)

Genes: NT5DC1 (5'-nucleotidase domain containing 1; plus strand), COL10A1 (collagen type X alpha 1 chain; minus strand). Cytogenetic location: 6q22.1.
Variant type: single nucleotide variant.
Coding change: c.1195C>T on transcript NM_000493.4 (MANE Select); coding-DNA position 1195, C replaced by T.
Protein change: p.Pro399Ser; replaces proline 399 with serine.
Molecular consequence: missense variant. On other transcripts: intron variant (1).
Genome position (GRCh38, 1-based): chr6:116,120,921, G>A on the plus strand (C>T on the coding strand, the complement: COL10A1 is on the minus strand). VCF-style: chr6-116120921-G-A. GRCh37 (hg19) VCF-style: chr6-116442084-G-A.
Other names: c.1195C>T, p.Pro399Ser (NM_001424106.1, NM_001424107.1); c.529+2976G>A (NM_152729.3); short protein forms P399S.
Identifiers: ClinVar variation 1994003 (VCV001994003.4), dbSNP rs2534087848, ClinGen allele CA365388961.